The following is an entry in ClinVar:

ClinVar aggregate classification (germline): Uncertain significance. Review status: criteria provided, multiple submitters, no conflicts (2 of 4 stars). 2 submissions from 2 submitters: Uncertain significance (2). Last evaluated 2025-04-17.

Conditions:
Arrhythmogenic cardiomyopathy with wooly hair and keratoderma. Also called: PALMOPLANTAR KERATODERMA WITH LEFT VENTRICULAR CARDIOMYOPATHY AND WOOLLY HAIR; Carvajal syndrome; Dilated cardiomyopathy with woolly hair and keratoderma; Arrhythmogenic cardiomyopathy with woolly hair and keratoderma. Identifiers: Orphanet 65282, MedGen C1854063, MONDO:0011581, OMIM 605676.

Allele frequency attached by ClinVar (database versions not stated): ExAC 0.00001; gnomAD 0.00001; gnomAD exomes 0.00001; 1000 Genomes Project 30x 0.00016; 1000 Genomes Project 0.00020.
gnomAD v4.1: 10 of 1,614,160 alleles (0.00062%); highest among the groups gnomAD compares: East Asian, 0.0022%; no homozygotes.

Submissions (2):

GeneDx
Classification: Uncertain significance. Last evaluated: 2025-04-17. Review status: criteria provided, single submitter. Criteria: GeneDx Variant Classification Process June 2021. Collection method: clinical testing. Allele origin: germline. Affected: yes.
Comment: Not observed at significant frequency in large population cohorts (gnomAD); In silico analysis indicates that this missense variant does not alter protein structure/function; Has not been previously published as pathogenic or benign to our knowledge

All of Us Research Program, National Institutes of Health
Classification: Uncertain significance for Arrhythmogenic cardiomyopathy with wooly hair and keratoderma. Last evaluated: 2023-11-30. Review status: criteria provided, single submitter. Criteria: ACMG Guidelines, 2015. Collection method: clinical testing. Allele origin: germline. Inheritance: Autosomal dominant inheritance. Observed: 1 variant allele, 1 heterozygote.
Comment: This study involves interpretation of variants in research participants for the purpose of population health screening. Participant phenotype was not available at the time of variant classification. Additional details can be found in publication PMID: 35346344, PMCID: PMC8962531

NM_004415.4(DSP):c.7757G>A (p.Arg2586Gln)

Gene: DSP (desmoplakin; plus strand). Cytogenetic location: 6p24.3.
Variant type: single nucleotide variant.
Coding change: c.7757G>A on transcript NM_004415.4 (MANE Select); coding-DNA position 7757, G replaced by A.
Protein change: p.Arg2586Gln; replaces arginine 2586 with glutamine.
Molecular consequence: missense variant.
Genome position (GRCh38, 1-based): chr6:7,585,019, G>A. VCF-style: chr6-7585019-G-A. GRCh37 (hg19) VCF-style: chr6-7585252-G-A.
Other names: c.5960G>A, p.Arg1987Gln (NM_001008844.3); c.6428G>A, p.Arg2143Gln (NM_001319034.2); short protein forms R1987Q, R2143Q, R2586Q.
Identifiers: ClinVar variation 3074005 (VCV003074005.2), dbSNP rs550191477, ClinGen allele CA050637.